The following is an entry in ClinVar:

ClinVar aggregate classification (germline): Pathogenic (1 of 4 stars; one submission).

Conditions:
Arrhythmogenic right ventricular dysplasia 8 (ARVD8). Also called: Arrhythmogenic Right Ventricular Dysplasia/Cardiomyopathy 8; ARRHYTHMOGENIC RIGHT VENTRICULAR DYSPLASIA, FAMILIAL, 8; ARRHYTHMOGENIC RIGHT VENTRICULAR CARDIOMYOPATHY 8. Identifiers: MedGen C1843896, MONDO:0011831, OMIM 607450.
Arrhythmogenic cardiomyopathy with wooly hair and keratoderma. Also called: PALMOPLANTAR KERATODERMA WITH LEFT VENTRICULAR CARDIOMYOPATHY AND WOOLLY HAIR; Carvajal syndrome; Dilated cardiomyopathy with woolly hair and keratoderma; Arrhythmogenic cardiomyopathy with woolly hair and keratoderma. Identifiers: Orphanet 65282, MedGen C1854063, MONDO:0011581, OMIM 605676.

Submission:

Labcorp Genetics (formerly Invitae), Labcorp
Classification: Pathogenic for Arrhythmogenic cardiomyopathy with wooly hair and keratoderma; Arrhythmogenic right ventricular dysplasia 8. Last evaluated: 2024-11-26. Review status: criteria provided, single submitter. Criteria: Invitae Variant Classification Sherloc (09022015). Collection method: clinical testing. Allele origin: germline.
Comment: This sequence change creates a premature translational stop signal (p.Leu1928*) in the DSP gene. While this is not anticipated to result in nonsense mediated decay, it is expected to disrupt the last 944 amino acid(s) of the DSP protein. This variant is not present in population databases (gnomAD no frequency). This variant has not been reported in the literature in individuals affected with DSP-related conditions. This variant disrupts a region of the DSP protein in which other variant(s) (p.Glu2728Glyfs*11) have been determined to be pathogenic (internal data). This suggests that this is a clinically significant region of the protein, and that variants that disrupt it are likely to be disease-causing. For these reasons, this variant has been classified as Pathogenic.

NM_004415.4(DSP):c.5783T>G (p.Leu1928Ter)

Gene: DSP (desmoplakin; plus strand). Cytogenetic location: 6p24.3.
Variant type: single nucleotide variant.
Coding change: c.5783T>G on transcript NM_004415.4 (MANE Select); coding-DNA position 5783, T replaced by G.
Protein change: p.Leu1928Ter; replaces leucine 1928 with a stop codon.
Molecular consequence: nonsense.
Genome position (GRCh38, 1-based): chr6:7,583,045, T>G. VCF-style: chr6-7583045-T-G. GRCh37 (hg19) VCF-style: chr6-7583278-T-G.
Other names: c.3986T>G, p.Leu1329Ter (NM_001008844.3); c.4454T>G, p.Leu1485Ter (NM_001319034.2); short protein forms L1329*, L1485*, L1928*.
Identifiers: ClinVar variation 3757263 (VCV003757263.2).